The following is an entry in ClinVar:

NM_014908.4(DOLK):c.647T>C (p.Val216Ala)

Gene: DOLK (dolichol kinase; minus strand). Cytogenetic location: 9q34.11.
Variant type: single nucleotide variant.
Coding change: c.647T>C on transcript NM_014908.4 (MANE Select); coding-DNA position 647, T replaced by C.
Protein change: p.Val216Ala; replaces valine 216 with alanine.
Molecular consequence: missense variant.
Genome position (GRCh38, 1-based): chr9:128,946,657, A>G on the plus strand (T>C on the coding strand, the complement: DOLK is on the minus strand). VCF-style: chr9-128946657-A-G. GRCh37 (hg19) VCF-style: chr9-131708936-A-G.
Other names: short protein forms V216A.
Identifiers: ClinVar variation 3842094 (VCV003842094.1).

ClinVar aggregate classification (germline): Uncertain significance (1 of 4 stars; one submission).

Conditions:
Cardiovascular phenotype. Identifiers: MedGen CN230736.

Submission:

Ambry Genetics
Classification: Uncertain significance for Cardiovascular phenotype. Last evaluated: 2025-03-14. Review status: criteria provided, single submitter. Criteria: Ambry Variant Classification Scheme 2023. Collection method: clinical testing. Allele origin: germline.
Comment: The p.V216A variant (also known as c.647T>C), located in coding exon 1 of the DOLK gene, results from a T to C substitution at nucleotide position 647. The valine at codon 216 is replaced by alanine, an amino acid with similar properties. This amino acid position is conserved. In addition, this alteration is predicted to be tolerated by in silico analysis. Based on the available evidence, the clinical significance of this variant remains unclear.